The following is an entry in ClinVar:

ClinVar aggregate classification (germline): Uncertain significance (1 of 4 stars; one submission).

Conditions:
Breast-ovarian cancer, familial, susceptibility to, 4. Identifiers: Orphanet 145, MedGen C3280345, MONDO:0013669, OMIM 614291.

Submission:

Labcorp Genetics (formerly Invitae), Labcorp
Classification: Uncertain significance for Breast-ovarian cancer, familial, susceptibility to, 4. Last evaluated: 2024-07-30. Review status: criteria provided, single submitter. Criteria: Invitae Variant Classification Sherloc (09022015). Collection method: clinical testing. Allele origin: germline.
Comment: This sequence change falls in intron 2 of the RAD51D gene. It does not directly change the encoded amino acid sequence of the RAD51D protein. This variant is not present in population databases (gnomAD no frequency). This variant has not been reported in the literature in individuals affected with RAD51D-related conditions. In summary, the available evidence is currently insufficient to determine the role of this variant in disease. Therefore, it has been classified as a Variant of Uncertain Significance.

NM_002878.4(RAD51D):c.125_144+12dup

Genes: RAD51D (RAD51 paralog D; minus strand), RAD51L3-RFFL (RAD51L3-RFFL readthrough; minus strand). Cytogenetic location: 17q12.
Variant type: Duplication.
Coding change: c.125_144+12dup on transcript NM_002878.4 (MANE Select); coding-DNA position 125 through 12 bases into the intron after coding-DNA position 144, 32 bases duplicated.
Molecular consequence: splice donor variant.
Genome position (GRCh38, 1-based): chr17:35,119,099-35,119,130, 32 bases duplicated; duplicating any 32 consecutive bases within chr17:35,119,099-35,119,132 gives the same sequence; the c. name uses the placement nearest the transcript's 3' end. GRCh37 (hg19): chr17:33,446,120-33,446,151.
Other names: c.125_144+12dup (NM_133629.3, NM_001142571.2).
Identifiers: ClinVar variation 3660925 (VCV003660925.2).
Genomic context (GRCh38, chr17:35,119,098, plus strand): 5'-CCGCGCCCAGCTGGCTTGGGATGGACTTTTTAAAAAGACACTCAGGTTTGGAATGTGGAG[A>ATCAGGAGCTCACCTTGTAAGACAAGCCACATT]TCAGGAGCTCACCTTGTAAGACAAGCCACATTTCTGAGCTACCTCTTCCAGGTCTGCAGA-3'